The following is an entry in ClinVar:

NM_000350.3(ABCA4):c.257C>A (p.Thr86Asn)

Gene: ABCA4 (ATP binding cassette subfamily A member 4; minus strand). Cytogenetic location: 1p22.1.
Variant type: single nucleotide variant.
Coding change: c.257C>A on transcript NM_000350.3 (MANE Select); coding-DNA position 257, C replaced by A.
Protein change: p.Thr86Asn; replaces threonine 86 with asparagine.
Molecular consequence: missense variant.
Genome position (GRCh38, 1-based): chr1:94,111,483, G>T on the plus strand (C>A on the coding strand, the complement: ABCA4 is on the minus strand). VCF-style: chr1-94111483-G-T. GRCh37 (hg19) VCF-style: chr1-94577039-G-T.
Other names: c.257C>A, p.Thr86Asn (NM_001425324.1); short protein forms T86N.
Identifiers: ClinVar variation 4855392 (VCV004855392.1).

ClinVar aggregate classification (germline): Uncertain significance (1 of 4 stars; one submission).

Conditions:
Severe early-childhood-onset retinal dystrophy (STGD1). Also called: Stargardt macular dystrophy; Juvenile onset macular degeneration; Stargardt disease 1; MACULAR DYSTROPHY WITH FLECKS, TYPE 1; STGD. Identifiers: Orphanet 364055, Orphanet 827, MedGen C1855465, MeSH D000080362, MONDO:0009549, OMIM 248200.

Submission:

3billion
Classification: Uncertain significance for Severe early-childhood-onset retinal dystrophy. Last evaluated: 2025-12-15. Review status: criteria provided, single submitter. Criteria: ACMG Guidelines, 2015. Collection method: clinical testing. Allele origin: germline. Affected: yes.
Comment: The variant is not observed in the gnomAD v4.1.0 dataset. Predicted Consequence/Location: Missense variant In silico tool predictions suggest damaging effect of the variant on gene or gene product [REVEL: 0.82 (>=0.6, sensitivity 0.68 and specificity 0.92); 3Cnet: 0.99 (> 0.75, sensitivity 0.96 and precision 0.92)]. Different missense changes at the same codon have been reported as of uncertain significance (ClinVar ID: VCV001900176; 3billion dataset). Therefore, this variant is classified as VUS according to the recommendation of ACMG/AMP guideline.